The following is an entry in ClinVar:

NC_000019.10:g.1220581del

Gene: STK11 (serine/threonine kinase 11; plus strand). Cytogenetic location: 19p13.3.
Variant type: Deletion.
Genome position: GRCh38 VCF-style: chr19-1220579-AG-A. GRCh37 (hg19) VCF-style: chr19-1220578-AG-A.
Identifiers: ClinVar variation 3645139 (VCV003645139.2).

ClinVar aggregate classification (germline): Pathogenic (1 of 4 stars; one submission).

Conditions:
Peutz-Jeghers syndrome (PJS). Also called: POLYPOSIS, HAMARTOMATOUS INTESTINAL; POLYPS-AND-SPOTS SYNDROME; Peutz-Jeghers polyposis; Periorificial lentiginosis syndrome. Identifiers: Orphanet 2869, MedGen C0031269, MeSH D010580, MONDO:0008280, OMIM 175200.

Submission:

Labcorp Genetics (formerly Invitae), Labcorp
Classification: Pathogenic for Peutz-Jeghers syndrome. Last evaluated: 2024-03-09. Review status: criteria provided, single submitter. Criteria: Invitae Variant Classification Sherloc (09022015). Collection method: clinical testing. Allele origin: germline.
Comment: This sequence change creates a premature translational stop signal (p.Ala200Hisfs*87) in the STK11 gene. It is expected to result in an absent or disrupted protein product. Loss-of-function variants in STK11 are known to be pathogenic (PMID: 15188174, 16287113). This variant is not present in population databases (gnomAD no frequency). This variant has not been reported in the literature in individuals affected with STK11-related conditions. Algorithms developed to predict the effect of sequence changes on RNA splicing suggest that this variant may disrupt the consensus splice site. For these reasons, this variant has been classified as Pathogenic.

Literature cited by the submitters: PubMed 15188174; PubMed 16287113.